The following is an entry in ClinVar:

ClinVar aggregate classification (germline): Uncertain significance (1 of 4 stars; one submission).

Conditions:
Beckwith-Wiedemann syndrome (BWS). Also called: Exomphalos macroglossia gigantism syndrome; EMG SYNDROME. Identifiers: Orphanet 116, MedGen C0004903, MONDO:0007534, OMIM 130650.

gnomAD v4.1: 5 of 1,510,120 alleles (0.00033%); highest among the groups gnomAD compares: Admixed American, 0.002%; no homozygotes.

Submission:

Labcorp Genetics (formerly Invitae), Labcorp
Classification: Uncertain significance for Beckwith-Wiedemann syndrome. Last evaluated: 2025-04-07. Review status: criteria provided, single submitter. Criteria: Invitae Variant Classification Sherloc (09022015). Collection method: clinical testing. Allele origin: germline.
Comment: This sequence change replaces proline, which is neutral and non-polar, with leucine, which is neutral and non-polar, at codon 250 of the CDKN1C protein (p.Pro250Leu). The frequency data for this variant in the population databases is considered unreliable, as metrics indicate poor data quality at this position in the gnomAD database. This variant has not been reported in the literature in individuals affected with CDKN1C-related conditions. ClinVar contains an entry for this variant (Variation ID: 2908741). Invitae Evidence Modeling of protein sequence and biophysical properties (such as structural, functional, and spatial information, amino acid conservation, physicochemical variation, residue mobility, and thermodynamic stability) indicates that this missense variant is not expected to disrupt CDKN1C protein function with a negative predictive value of 80%. In summary, the available evidence is currently insufficient to determine the role of this variant in disease. Therefore, it has been classified as a Variant of Uncertain Significance.

NM_001122630.2(CDKN1C):c.716C>T (p.Pro239Leu)

Gene: CDKN1C (cyclin dependent kinase inhibitor 1C; minus strand). Cytogenetic location: 11p15.4.
Variant type: single nucleotide variant.
Coding change: c.716C>T on transcript NM_001122630.2 (MANE Select); coding-DNA position 716, C replaced by T.
Protein change: p.Pro239Leu; replaces proline 239 with leucine.
Molecular consequence: missense variant. On other transcripts: intron variant (1).
Genome position (GRCh38, 1-based): chr11:2,884,741, G>A on the plus strand (C>T on the coding strand, the complement: CDKN1C is on the minus strand). VCF-style: chr11-2884741-G-A. GRCh37 (hg19) VCF-style: chr11-2905971-G-A.
Other names: c.749C>T, p.Pro250Leu (NM_000076.2, NM_001362474.2); c.716C>T, p.Pro239Leu (NM_001122631.2); c.255+461C>T (NM_001362475.2); short protein forms P250L, P239L.
Identifiers: ClinVar variation 2908741 (VCV002908741.3), dbSNP rs753022994, ClinGen allele CA379145653.